The following continues an entry in ClinVar:

NM_000463.3(UGT1A1):c.1091C>T (p.Pro364Leu)

ClinVar aggregate classification (germline): Conflicting classifications of pathogenicity; other. Pathogenic (7); Likely pathogenic (6); Uncertain significance (5).

Submissions 8 to 20 of 20:

ARUP Laboratories, Molecular Genetics and Genomics, ARUP Laboratories
Classification: Pathogenic. Last evaluated: 2024-09-24. Review status: criteria provided, single submitter. Criteria: ARUP Molecular Germline Variant Investigation Process 2024. Collection method: clinical testing. Allele origin: germline.
Comment: The UGT1A1 c.1091C>T; p.Pro364Leu variant (rs34946978), also known as UGT1A1*73, has been reported in neonates with severe hyperbilirubinemia (Huang 2002, Yang 2021, Yang 2016), and also in multiple individuals either affected with Gilbert syndrome (Farheen 2006, Sun 2017, Takeuchi 2004) or Crigler-Najjar syndrome (Li 2015, Sun 2017) (Yang 2016). In vitro functional analyses of this variant demonstrated a significant reduction in the UGT1A1 enzyme activity (Takeuchi 2004). This variant is also reported in ClinVar (Variation ID: 212543). This variant is found in the general population with an overall allele frequency of 0.1% (334/280448 alleles, including two homozygotes) in the Genome Aggregation Database. The proline at codon 364 is highly conserved, and computational analyses predict that this variant is deleterious (REVEL: 0.836). Based on available information, this variant is considered to be pathogenic. REFERENCES Farheen S et al. Gilbert's syndrome: High frequency of the (TA)7 TAA allele in India and its interaction with a novel CAT insertion in promoter of the gene for bilirubin UDP-glucuronosyltransferase 1 gene. World J Gastroenterol. 2006 Apr 14. PMID: 16610035 Huang CS et al. Relationship between bilirubin UDP-glucuronosyl transferase 1A1 gene and neonatal hyperbilirubinemia. Pediatr Res. 2002 Oct. PMID: 12357057 Li L et al. Spectrum of UGT1A1 Variations in Chinese Patients with Crigler-Najjar Syndrome Type II. PLoS One. 2015 PMID: 25993113 Sun L et al. Differences in UGT1A1 gene mutations and pathological liver changes between Chinese patients with Gilbert syndrome and Crigler-Najjar syndrome type II. Medicine (Baltimore). 2017 Nov. PMID: 29137095 Takeuchi K et al. Genetic polymorphisms of bilirubin uridine diphosphate-glucuronosyltransferase gene in Japanese patients with Crigler-Najjar syndrome or Gilbert's syndrome as well as in healthy Japanese subjects. J Gastroenterol Hepatol. 2004 Sep. PMID: 15304120 Yang H et al. UGT1A1 mutation association with increased bilirubin levels and severity of unconjugated hyperbilirubinemia in ABO incompatible newborns of China. BMC pediatrics. 2021 2021/06/01. PMID: 34074250 Yang H et al. Clinical Significance of UGT1A1 Genetic Analysis in Chinese Neonates with Severe Hyperbilirubinemia. Pediatr Neonatol. 2016 Aug. PMID: 26727668

Women's Health and Genetics/Laboratory Corporation of America, LabCorp
Classification: Uncertain significance. Last evaluated: 2024-01-16. Review status: criteria provided, single submitter. Criteria: LabCorp Variant Classification Summary - May 2015. Collection method: clinical testing. Allele origin: germline.
Comment: Variant summary: UGT1A1 c.1091C>T (p.Pro364Leu) results in a non-conservative amino acid change in the encoded protein sequence. Five of five in-silico tools predict a damaging effect of the variant on protein function. The variant allele was found at a frequency of 0.00045 in 1614202 control chromosomes in the gnomAD database, including 7 homozygotes (gnomAD). c.1091C>T has been reported in the literature in individuals affected with Gilberts Syndrome (example: Takeuchi_2004, Sun_2017, Wang_2022), neonatal unconjugated hyperbilirubinemia (example: Mei_2022, and Cozzi_2022), Crigler-Najjar syndrome type II (example: Sun_2017, and Wu_2016). One study has reported that this variant is a genetic risk factor for unconjugated hyperbilirubinemia (6.8 OR) (Bai_2019). At least one publication reports experimental evidence evaluating an impact on protein function. The most pronounced variant effect results in 35.6% of normal activity (example: Takeuchi_2004, and Mimura_2011). The following publications have been ascertained in the context of this evaluation (PMID: 12105841, 34953813, 21726413, 29137095, 15304120, 31450232, 27264814, 26727668, 35436954, 33083013, 35257483). ClinVar contains an entry for this variant (Variation ID: 212543). Based on the evidence outlined above, the variant was classified as VUS-possibly pathogenic.

3billion
Classification: Pathogenic for Gilbert syndrome. Last evaluated: 2023-08-21. Review status: criteria provided, single submitter. Criteria: ACMG Guidelines, 2015. Collection method: clinical testing. Allele origin: germline. Affected: yes.
Comment: It is observed in the gnomAD v2.1.1 dataset at total allele frequency of 0.119%. Predicted Consequence/Location: Missense variant Functional studies provide moderate evidence of the variant having a damaging effect on the gene or gene product (PMID: 15304120). In silico tool predictions suggest damaging effect of the variant on gene or gene product [REVEL: 0.84 (>=0.6, sensitivity 0.68 and specificity 0.92); 3Cnet: 0.95 (>=0.6, sensitivity 0.72 and precision 0.9)]. Same nucleotide change resulting in same amino acid change has been previously reported as pathogenic/likely pathogenic with strong evidence (ClinVar ID: VCV000212543 /PMID: 15304120).The variant has been reported to be in trans with a pathogenic variant as either compound heterozygous or homozygous in at least 2 similarly affected unrelated individuals (PMID: 15304120, 27264814). Therefore, this variant is classified as Pathogenic according to the recommendation of ACMG/AMP guideline.

Department of Pathology and Laboratory Medicine, Sinai Health System
Classification: Uncertain significance for Gilbert syndrome; Crigler-Najjar syndrome type 1; Lucey-Driscoll syndrome; Crigler-Najjar syndrome, type II. Last evaluated: 2023-08-17. Review status: criteria provided, single submitter. Criteria: ACMG Guidelines, 2015. Collection method: research. Allele origin: germline.

Mendelics
Classification: Pathogenic for Gilbert syndrome. Last evaluated: 2022-05-04. Review status: criteria provided, single submitter. Criteria: Mendelics Assertion Criteria 2019. Collection method: clinical testing. Allele origin: germline.

Fulgent Genetics
Classification: Likely pathogenic for Gilbert syndrome; Crigler-Najjar syndrome type 1; Lucey-Driscoll syndrome; BILIRUBIN, SERUM LEVEL OF, QUANTITATIVE TRAIT LOCUS 1; Crigler-Najjar syndrome, type II. Last evaluated: 2018-10-31. Review status: criteria provided, single submitter. Criteria: ACMG Guidelines, 2015. Collection method: clinical testing. Allele origin: unknown.

Eurofins Ntd Llc (ga)
Classification: other. Last evaluated: 2018-08-23. Review status: criteria provided, single submitter. Criteria: EGL ClinVar v180209 classification definitions. Collection method: clinical testing. Allele origin: germline. Observed: 15 variant alleles, 15 heterozygotes.

Illumina Laboratory Services, Illumina
Classification: Uncertain significance for Gilbert syndrome. Last evaluated: 2017-04-27. Review status: criteria provided, single submitter. Criteria: ICSL Variant Classification Criteria 13 December 2019. Collection method: clinical testing. Allele origin: germline.
Comment: This variant was observed as part of a predisposition screen in an ostensibly healthy population. A literature search was performed for the gene, cDNA change, and amino acid change (where applicable). Publications were found based on this search. However, the evidence from the literature, in combination with allele frequency data from public databases where available, was not sufficient to rule this variant in or out of causing disease. Therefore, this variant is classified as a variant of unknown significance.

Genetic Services Laboratory, University of Chicago
Classification: Likely pathogenic for Hyperbilirubinemia. Last evaluated: 2014-09-22. Review status: criteria provided, single submitter. Criteria: ACMG Guidelines, 2015. Collection method: clinical testing. Allele origin: germline. Affected: yes.

CENTOGENE GmbH and LLC - Guiding Precision Medicine
Classification: Pathogenic for Crigler-Najjar syndrome type 1. Review status: criteria provided, single submitter. Criteria: ACMG Guidelines, 2015. Collection method: clinical testing. Allele origin: germline. Affected: yes.

Juno Genomics, Hangzhou Juno Genomics, Inc
Classification: Uncertain significance for BILIRUBIN, SERUM LEVEL OF, QUANTITATIVE TRAIT LOCUS 1; Gilbert syndrome; Crigler-Najjar syndrome type 1; Crigler-Najjar syndrome, type II; Lucey-Driscoll syndrome. Review status: criteria provided, single submitter. Criteria: ACMG Guidelines, 2015. Collection method: clinical testing. Allele origin: germline.
Comment: Allele frequency is greater than expected for disorder.;Well-established in vitro or in vivo functional studies supportive of a damaging effect on the gene or gene product.;The prevalence of the variant in affected individuals is significantly increased compared to the prevalence in controls.

Kariminejad - Najmabadi Pathology & Genetics Center
Classification: Likely pathogenic for Crigler-Najjar syndrome type 1. Review status: criteria provided, single submitter. Criteria: ACMG Guidelines, 2015. Collection method: clinical testing. Allele origin: germline. Affected: no.

Difficult and Complicated Liver Diseases and Artificial Liver Center, Beijing You An Hospital, Capital Medical University
Classification: Pathogenic for Gilbert syndrome. Last evaluated: 2019-05-01. Review status: no assertion criteria provided. Collection method: case-control. Allele origin: inherited. Affected: yes. Observed: 20 variant alleles. Not counted in ClinVar's aggregate classification.

Literature cited by the submitters: PubMed 15304120 (cited by 8 submitters); PubMed 35257483 (cited by 4 submitters); PubMed 37671043 (cited by Victorian Clinical Genetics Services, Murdoch Childrens Research Institute and Mayo Clinic Laboratories, Mayo Clinic); PubMed 35436954 (cited by 5 submitters); PubMed 21726413 (cited by 3 submitters); PubMed 29137095 (cited by 3 submitters); PubMed 39069255 (cited by Variantyx, Inc.); PubMed 27264814 (cited by 5 submitters); PubMed 31737051 (cited by 3 submitters); PubMed 34953813 (cited by 3 submitters); PubMed 10975608 (cited by Mayo Clinic Laboratories, Mayo Clinic); PubMed 16610035 (cited by Mayo Clinic Laboratories, Mayo Clinic); PubMed 25993113 (cited by Mayo Clinic Laboratories, Mayo Clinic and Eurofins Ntd Llc (ga)); PubMed 26727668 (cited by 3 submitters); PubMed 30669781 (cited by Mayo Clinic Laboratories, Mayo Clinic); PubMed 31858773 (cited by Mayo Clinic Laboratories, Mayo Clinic); PubMed 33083013 (cited by Mayo Clinic Laboratories, Mayo Clinic and Women's Health and Genetics/Laboratory Corporation of America, LabCorp); PubMed 35426266 (cited by Mayo Clinic Laboratories, Mayo Clinic); PubMed 35781232 (cited by Mayo Clinic Laboratories, Mayo Clinic); PubMed 35942604 (cited by Mayo Clinic Laboratories, Mayo Clinic); PubMed 36274106 (cited by Mayo Clinic Laboratories, Mayo Clinic); PubMed 36350824 (cited by Mayo Clinic Laboratories, Mayo Clinic); PubMed 36574877 (cited by Mayo Clinic Laboratories, Mayo Clinic); PubMed 38279097 (cited by Mayo Clinic Laboratories, Mayo Clinic); PubMed 31450232 (cited by Women's Health and Genetics/Laboratory Corporation of America, LabCorp); PubMed 12105841 (cited by Women's Health and Genetics/Laboratory Corporation of America, LabCorp); PubMed 12208142 (cited by Illumina Laboratory Services, Illumina).